The following is an entry in ClinVar:

ClinVar aggregate classification (germline): Uncertain significance. Review status: criteria provided, multiple submitters, no conflicts (2 of 4 stars). 2 submissions from 2 submitters: Uncertain significance (2). Last evaluated 2020-05-28.

Conditions:
DICER1-related tumor predisposition. Also called: DICER1 syndrome; DICER1-related pleuropulmonary blastoma cancer predisposition syndrome. Identifiers: Orphanet 284343, MedGen C3839822, MONDO:0100216.
Hereditary cancer-predisposing syndrome. Also called: Hereditary neoplastic syndrome; Tumor predisposition; Neoplastic Syndromes, Hereditary; Hereditary Cancer Syndrome. Identifiers: Orphanet 140162, MedGen C0027672, MeSH D009386, MONDO:0015356.

Allele frequency attached by ClinVar (database versions not stated): gnomAD exomes below 0.00001.
gnomAD v4.1: 2 of 1,614,180 alleles (0.00012%); highest among the groups gnomAD compares: Admixed American, 0.0017%; no homozygotes.

Submissions (2):

Ambry Genetics
Classification: Uncertain significance for Hereditary cancer-predisposing syndrome. Last evaluated: 2020-05-28. Review status: criteria provided, single submitter. Criteria: Ambry Variant Classification Scheme 2023. Collection method: clinical testing. Allele origin: germline.
Comment: The p.S1188N variant (also known as c.3563G>A), located in coding exon 20 of the DICER1 gene, results from a G to A substitution at nucleotide position 3563. The serine at codon 1188 is replaced by asparagine, an amino acid with highly similar properties. This amino acid position is not well conserved in available vertebrate species. In addition, this alteration is predicted to be tolerated by in silico analysis. Since supporting evidence is limited at this time, the clinical significance of this alteration remains unclear.

Labcorp Genetics (formerly Invitae), Labcorp
Classification: Uncertain significance for DICER1-related tumor predisposition. Last evaluated: 2020-02-06. Review status: criteria provided, single submitter. Criteria: Invitae Variant Classification Sherloc (09022015). Collection method: clinical testing. Allele origin: germline.
Comment: Algorithms developed to predict the effect of missense changes on protein structure and function (SIFT, PolyPhen-2, Align-GVGD) all suggest that this variant is likely to be tolerated, but these predictions have not been confirmed by published functional studies and their clinical significance is uncertain. In summary, the available evidence is currently insufficient to determine the role of this variant in disease. Therefore, it has been classified as a Variant of Uncertain Significance. This variant has not been reported in the literature in individuals with DICER1-related conditions. This variant is not present in population databases (ExAC no frequency). This sequence change replaces serine with asparagine at codon 1188 of the DICER1 protein (p.Ser1188Asn). The serine residue is weakly conserved and there is a small physicochemical difference between serine and asparagine.

NM_177438.3(DICER1):c.3563G>A (p.Ser1188Asn)

Gene: DICER1 (dicer 1, ribonuclease III; minus strand). Cytogenetic location: 14q32.13.
Variant type: single nucleotide variant.
Coding change: c.3563G>A on transcript NM_177438.3 (MANE Select); coding-DNA position 3563, G replaced by A.
Protein change: p.Ser1188Asn; replaces serine 1188 with asparagine.
Molecular consequence: missense variant.
Genome position (GRCh38, 1-based): chr14:95,103,833, C>T on the plus strand (G>A on the coding strand, the complement: DICER1 is on the minus strand). VCF-style: chr14-95103833-C-T. GRCh37 (hg19) VCF-style: chr14-95570170-C-T.
Other names: c.3563G>A, p.Ser1188Asn (NM_001195573.1, NM_001271282.3, NM_001291628.2 and 1 more transcripts); short protein forms S1188N.
Identifiers: ClinVar variation 959479 (VCV000959479.13), dbSNP rs1891141369, ClinGen allele CA390874911.